The following is an entry in ClinVar:

NM_001112741.2(KCNC1):c.701G>A (p.Arg234His)

Gene: KCNC1 (potassium voltage-gated channel subfamily C member 1; plus strand). Cytogenetic location: 11p15.1.
Variant type: single nucleotide variant.
Coding change: c.701G>A on transcript NM_001112741.2 (MANE Select); coding-DNA position 701, G replaced by A.
Protein change: p.Arg234His; replaces arginine 234 with histidine.
Molecular consequence: missense variant.
Genome position (GRCh38, 1-based): chr11:17,771,795, G>A. VCF-style: chr11-17771795-G-A. GRCh37 (hg19) VCF-style: chr11-17793342-G-A.
Other names: c.701G>A, p.Arg234His (NM_004976.4); short protein forms R234H.
Identifiers: ClinVar variation 542109 (VCV000542109.9), dbSNP rs763794003, ClinGen allele CA5906720.

ClinVar aggregate classification (germline): Uncertain significance (1 of 4 stars; one submission).

Conditions:
Progressive myoclonic epilepsy type 7. Identifiers: Orphanet 435438, MedGen C4015420, MONDO:0014521, OMIM 616187.

Allele frequency attached by ClinVar (database versions not stated): gnomAD exomes 0.00001; ExAC 0.00001.
gnomAD v4.1: 15 of 1,614,234 alleles (0.00093%); highest among the groups gnomAD compares: East Asian, 0.025%; no homozygotes.

Submission:

Labcorp Genetics (formerly Invitae), Labcorp
Classification: Uncertain significance for Progressive myoclonic epilepsy type 7. Last evaluated: 2024-10-21. Review status: criteria provided, single submitter. Criteria: Invitae Variant Classification Sherloc (09022015). Collection method: clinical testing. Allele origin: germline.
Comment: This sequence change replaces arginine, which is basic and polar, with histidine, which is basic and polar, at codon 234 of the KCNC1 protein (p.Arg234His). This variant is present in population databases (rs763794003, gnomAD 0.006%). This variant has not been reported in the literature in individuals affected with KCNC1-related conditions. ClinVar contains an entry for this variant (Variation ID: 542109). Invitae Evidence Modeling of protein sequence and biophysical properties (such as structural, functional, and spatial information, amino acid conservation, physicochemical variation, residue mobility, and thermodynamic stability) indicates that this missense variant is not expected to disrupt KCNC1 protein function with a negative predictive value of 95%. In summary, the available evidence is currently insufficient to determine the role of this variant in disease. Therefore, it has been classified as a Variant of Uncertain Significance.